The following is an entry in ClinVar:

NM_000368.5(TSC1):c.2429T>G (p.Leu810Arg)

Gene: TSC1 (TSC complex subunit 1; minus strand). Cytogenetic location: 9q34.13.
Variant type: single nucleotide variant.
Coding change: c.2429T>G on transcript NM_000368.5 (MANE Select); coding-DNA position 2429, T replaced by G.
Protein change: p.Leu810Arg; replaces leucine 810 with arginine.
Molecular consequence: missense variant.
Genome position (GRCh38, 1-based): chr9:132,901,662, A>C on the plus strand (T>G on the coding strand, the complement: TSC1 is on the minus strand). VCF-style: chr9-132901662-A-C. GRCh37 (hg19) VCF-style: chr9-135777049-A-C.
Other names: c.2426T>G, p.Leu809Arg (NM_001162426.2, NM_001406597.1, NM_001406598.1 and 4 more transcripts); c.2276T>G, p.Leu759Arg (NM_001162427.2, NM_001406610.1); c.2066T>G, p.Leu689Arg (NM_001362177.2, NM_001406618.1, NM_001406619.1 and 5 more transcripts); c.2429T>G, p.Leu810Arg (NM_001406592.1, NM_001406593.1, NM_001406594.1 and 5 more transcripts); c.1376T>G, p.Leu459Arg (NM_001406630.1, NM_001406629.1); c.2273T>G, p.Leu758Arg (NM_001406611.1, NM_001406612.1, NM_001406613.1); c.2414T>G, p.Leu805Arg (NM_001406601.1, NM_001406602.1); c.2411T>G, p.Leu804Arg (NM_001406603.1, NM_001406604.1); and 3 more; short protein forms L689R, L758R, L759R, L804R, L805R, L809R, L810R, L459R.
Identifiers: ClinVar variation 1722057 (VCV001722057.5), dbSNP rs2131707680, ClinGen allele CA375358623.
Genomic context (GRCh38, chr9:132,901,662, plus strand): 5'-TGACTGAGCAGCAGCTCAGTGTGACACACCTTGTTGTTGGCCTTCTTCAGTTCTATCCGC[A>C]GCTCCGCAATCATGTTCCTGCAGTCCTCCAGCTTCGTCTGCCCAAAGAGACGTGGACATG-3'
Protein context (NP_000359.1, residues 800-820): LEDCRNMIAE[Leu810Arg]RIELKKANNK

ClinVar aggregate classification (germline): Uncertain significance (1 of 4 stars; one submission).

Conditions:
Tuberous sclerosis 1 (TSC1). Identifiers: Orphanet 805, MedGen C1854465, MONDO:0008612, OMIM 191100.

Submission:

Labcorp Genetics (formerly Invitae), Labcorp
Classification: Uncertain significance for Tuberous sclerosis 1. Last evaluated: 2022-10-23. Review status: criteria provided, single submitter. Criteria: Invitae Variant Classification Sherloc (09022015). Collection method: clinical testing. Allele origin: germline.
Comment: This sequence change replaces leucine, which is neutral and non-polar, with arginine, which is basic and polar, at codon 810 of the TSC1 protein (p.Leu810Arg). This variant is not present in population databases (gnomAD no frequency). This variant has not been reported in the literature in individuals affected with TSC1-related conditions. Advanced modeling of protein sequence and biophysical properties (such as structural, functional, and spatial information, amino acid conservation, physicochemical variation, residue mobility, and thermodynamic stability) performed at Invitae indicates that this missense variant is not expected to disrupt TSC1 protein function. In summary, the available evidence is currently insufficient to determine the role of this variant in disease. Therefore, it has been classified as a Variant of Uncertain Significance.